The following is an entry in ClinVar:

NM_001005242.3(PKP2):c.2169del (p.Glu725fs)

Gene: PKP2 (plakophilin 2; minus strand). Cytogenetic location: 12p11.21.
Variant type: Deletion.
Coding change: c.2169del on transcript NM_001005242.3 (MANE Select); coding-DNA position 2169, one base deleted (C; older notation c.2169delC).
Protein change: p.Glu725fs; shifts the reading frame from glutamic acid 725.
Molecular consequence: frameshift variant.
Genome position (GRCh38, 1-based): chr12:32,796,297, G deleted on the plus strand (C on the coding strand, the reverse complement: PKP2 is on the minus strand); the first of 2 consecutive G bases (chr12:32,796,297-32,796,298); deleting either gives the same sequence. VCF-style (leftmost placement, unchanged base first): chr12-32796296-TG-T. GRCh37 (hg19) VCF-style: chr12-32949230-TG-T.
Other names: c.2301del, p.Glu769fs (NM_004572.4); c.2301delC (NM_004572.3); short protein forms E725fs, E769fs.
Identifiers: ClinVar variation 202007 (VCV000202007.1), dbSNP rs794729117, ClinGen allele CA011897.

ClinVar aggregate classification (germline): Pathogenic (1 of 4 stars; one submission).

Submission:

GeneDx
Classification: Pathogenic. Last evaluated: 2012-06-21. Review status: criteria provided, single submitter. Criteria: GeneDx Variant Classification (06012015). Collection method: clinical testing. Allele origin: germline. Affected: yes.
Comment: p.Glu769Lysfsx31: c.2301delC in exon 12 of the PKP2 gene (NM_004572.3). The normal sequence with the base that is deleted in braces is: TTGC{C}AAAG. Although the c.2301delC mutation in the PKP2 gene has not been reported to our knowledge, this mutation causes a shift in reading frame starting at codon Glutamic acid 769, changing it to a Lysine, and creating a premature stop codon at position 31 of the new reading frame, denoted p.Glu769LysfsX31. This mutation is expected to result in either an abnormal, truncated protein product or loss of protein from this allele through nonsense-mediated mRNA decay. Other frameshift mutations in the PKP2 gene have been reported in association with ARVC. Therefore, c.2301delC in the PKP2 gene is interpreted as a disease-causing mutation. The variant is found in ARVC panel(s).